The following is an entry in ClinVar:

ClinVar aggregate classification (germline): Uncertain significance (1 of 4 stars; one submission).

gnomAD v4.1: 1 of 1,612,998 alleles (0.000062%); highest among the groups gnomAD compares: Non-Finnish European, 0.000085%; no homozygotes.

Submission:

Labcorp Genetics (formerly Invitae), Labcorp
Classification: Uncertain significance. Last evaluated: 2024-07-06. Review status: criteria provided, single submitter. Criteria: Invitae Variant Classification Sherloc (09022015). Collection method: clinical testing. Allele origin: germline.
Comment: This sequence change replaces lysine, which is basic and polar, with isoleucine, which is neutral and non-polar, at codon 567 of the RAI1 protein (p.Lys567Ile). This variant is not present in population databases (gnomAD no frequency). This variant has not been reported in the literature in individuals affected with RAI1-related conditions. Advanced modeling of protein sequence and biophysical properties (such as structural, functional, and spatial information, amino acid conservation, physicochemical variation, residue mobility, and thermodynamic stability) performed at Invitae indicates that this missense variant is expected to disrupt RAI1 protein function with a positive predictive value of 80%. In summary, the available evidence is currently insufficient to determine the role of this variant in disease. Therefore, it has been classified as a Variant of Uncertain Significance.

NM_030665.4(RAI1):c.1700A>T (p.Lys567Ile)

Gene: RAI1 (retinoic acid induced 1; plus strand). Cytogenetic location: 17p11.2.
Variant type: single nucleotide variant.
Coding change: c.1700A>T on transcript NM_030665.4 (MANE Select); coding-DNA position 1700, A replaced by T.
Protein change: p.Lys567Ile; replaces lysine 567 with isoleucine.
Molecular consequence: missense variant.
Genome position (GRCh38, 1-based): chr17:17,794,648, A>T. VCF-style: chr17-17794648-A-T. GRCh37 (hg19) VCF-style: chr17-17697962-A-T.
Other names: short protein forms K567I.
Identifiers: ClinVar variation 3658868 (VCV003658868.2).